The following is an entry in ClinVar:

NM_015338.6(ASXL1):c.3577G>A (p.Ala1193Thr)

Gene: ASXL1 (ASXL transcriptional regulator 1; plus strand). Cytogenetic location: 20q11.21.
Variant type: single nucleotide variant.
Coding change: c.3577G>A on transcript NM_015338.6 (MANE Select); coding-DNA position 3577, G replaced by A.
Protein change: p.Ala1193Thr; replaces alanine 1193 with threonine.
Molecular consequence: missense variant.
Genome position (GRCh38, 1-based): chr20:32,436,289, G>A. VCF-style: chr20-32436289-G-A. GRCh37 (hg19) VCF-style: chr20-31024092-G-A.
Other names: c.3394G>A, p.Ala1132Thr (NM_001363734.1); short protein forms A1132T, A1193T.
Identifiers: ClinVar variation 4864162 (VCV004864162.1).

ClinVar aggregate classification (germline): Uncertain significance (1 of 4 stars; one submission).

Conditions:
Inborn genetic diseases. Identifiers: MedGen C0950123, MeSH D030342.

Submission:

Ambry Genetics
Classification: Uncertain significance for Inborn genetic diseases. Last evaluated: 2026-03-30. Review status: criteria provided, single submitter. Criteria: Ambry Variant Classification Scheme 2023. Collection method: clinical testing. Allele origin: germline.
Comment: The p.A1193T variant (also known as c.3577G>A), located in coding exon 13 of the ASXL1 gene, results from a G to A substitution at nucleotide position 3577. The alanine at codon 1193 is replaced by threonine, an amino acid with similar properties. This amino acid position is conserved. In addition, this alteration is predicted to be tolerated by in silico analysis. Based on the available evidence, the clinical significance of this variant remains unclear.